The following is an entry in ClinVar:

NM_000053.4(ATP7B):c.3776G>A (p.Gly1259Glu)

Gene: ATP7B (ATPase copper transporting beta; minus strand). Cytogenetic location: 13q14.3.
Variant type: single nucleotide variant.
Coding change: c.3776G>A on transcript NM_000053.4 (MANE Select); coding-DNA position 3776, G replaced by A.
Protein change: p.Gly1259Glu; replaces glycine 1259 with glutamic acid.
Molecular consequence: missense variant. On other transcripts: intron variant (1).
Genome position (GRCh38, 1-based): chr13:51,937,603, C>T on the plus strand (G>A on the coding strand, the complement: ATP7B is on the minus strand). VCF-style: chr13-51937603-C-T. GRCh37 (hg19) VCF-style: chr13-52511739-C-T.
Other names: c.3524G>A, p.Gly1175Glu (NM_001330579.2, NM_001406531.1, NM_001406532.1); c.3776G>A, p.Gly1259Glu (NM_001406511.1, NM_001406512.1); c.3770G>A, p.Gly1257Glu (NM_001406513.1); c.3743G>A, p.Gly1248Glu (NM_001406514.1); c.3722G>A, p.Gly1241Glu (NM_001406515.1, NM_001406516.1); c.3680G>A, p.Gly1227Glu (NM_001406517.1, NM_001406518.1); c.3641G>A, p.Gly1214Glu (NM_001406519.1); c.3632G>A, p.Gly1211Glu (NM_001406520.1, NM_001406521.1, NM_001406522.1); and 22 more; short protein forms G1032E, G1043E, G1052E, G1065E, G1095E, G1097E, G1110E, G1116E.
Identifiers: ClinVar variation 3072468 (VCV003072468.2), dbSNP rs1248574088, ClinGen allele CA388022145.
Genomic context (GRCh38, chr13:51,937,603, plus strand): 5'-TCTGCCTGGGCCAAGGCCGGGGAGTCATTGACCCCATCCCCCACCATGGCGACTTTCTTC[C>T]CTTTATTCTGGAGCTCCTGGACCTTGGCCACCTTGTGCGAAGGCAGCACCTCTGCAAAGA-3'
Protein context (NP_000044.2, residues 1249-1269): VAKVQELQNK[Gly1259Glu]KKVAMVGDGV

ClinVar aggregate classification (germline): Uncertain significance. Review status: criteria provided, single submitter (1 of 4 stars). 2 submissions from 2 submitters: Uncertain significance (1). 1 of the submissions does not count toward it. Last evaluated 2023-07-19.

Conditions:
Wilson disease (WND). Also called: Wilson's disease. Identifiers: Orphanet 905, MedGen C0019202, MONDO:0010200, OMIM 277900. Disease mechanism: loss of function.

Submissions (2):

All of Us Research Program, National Institutes of Health
Classification: Uncertain significance for Wilson disease. Last evaluated: 2023-07-19. Review status: criteria provided, single submitter. Criteria: ACMG Guidelines, 2015. Collection method: clinical testing. Allele origin: germline. Inheritance: Autosomal recessive inheritance. Observed: 1 variant allele, 1 heterozygote.
Comment: This missense variant replaces glycine with glutamic acid at codon 1259 of the ATP7B protein. Computational prediction is inconclusive regarding the impact of this variant on protein structure and function (internally defined REVEL score threshold 0.5 < inconclusive < 0.7, PMID: 27666373). To our knowledge, functional studies have not been reported for this variant. This variant has been reported in one individual affected with Wilson disease with unspecified second mutation (PMID: 30097039). This variant has been identified in 2/249582 chromosomes in the general population by the Genome Aggregation Database (gnomAD). The available evidence is insufficient to determine the role of this variant in disease conclusively. Therefore, this variant is classified as a Variant of Uncertain Significance.

This study involves interpretation of variants in research participants for the purpose of population health screening. Participant phenotype was not available at the time of variant classification. Additional details can be found in publication PMID: 35346344, PMCID: PMC8962531

Natera, Inc.
Classification: Uncertain significance for Wilson disease. Last evaluated: 2025-03-31. Review status: no assertion criteria provided. Collection method: clinical testing. Allele origin: germline. Not counted in ClinVar's aggregate classification.

Literature cited by the submitters: PubMed 30097039 (cited by All of Us Research Program, National Institutes of Health).